The following is an entry in ClinVar:

ClinVar aggregate classification (germline): Uncertain significance (1 of 4 stars; one submission).

Conditions:
Autosomal recessive limb-girdle muscular dystrophy type 2A (LGMDR1). Also called: Muscular dystrophy, limb-girdle, type 2A, Amish; LEYDEN-MOEBIUS MUSCULAR DYSTROPHY; MUSCULAR DYSTROPHY, PELVOFEMORAL; Limb-girdle muscular dystrophy, type 2A; Calpainopathy. Identifiers: Orphanet 267, MedGen C1869123, MONDO:0009675, OMIM 253600. Disease mechanism: loss of function.

gnomAD v4.1: 4 of 1,613,886 alleles (0.00025%); highest among the groups gnomAD compares: Non-Finnish European, 0.00034%; no homozygotes.

Submission:

Labcorp Genetics (formerly Invitae), Labcorp
Classification: Uncertain significance for Autosomal recessive limb-girdle muscular dystrophy type 2A. Last evaluated: 2025-06-22. Review status: criteria provided, single submitter. Criteria: Invitae Variant Classification Sherloc (09022015). Collection method: clinical testing. Allele origin: germline.
Comment: This sequence change replaces threonine, which is neutral and polar, with serine, which is neutral and polar, at codon 324 of the CAPN3 protein (p.Thr324Ser). This variant is present in population databases (no rsID available, gnomAD 0.0009%). This variant has not been reported in the literature in individuals affected with CAPN3-related conditions. Invitae Evidence Modeling of protein sequence and biophysical properties (such as structural, functional, and spatial information, amino acid conservation, physicochemical variation, residue mobility, and thermodynamic stability) has been performed for this missense variant. However, the output from this modeling did not meet the statistical confidence thresholds required to predict the impact of this variant on CAPN3 protein function. In summary, the available evidence is currently insufficient to determine the role of this variant in disease. Therefore, it has been classified as a Variant of Uncertain Significance.

NM_000070.3(CAPN3):c.970A>T (p.Thr324Ser)

Gene: CAPN3 (calpain 3; plus strand). Cytogenetic location: 15q15.1.
Variant type: single nucleotide variant.
Coding change: c.970A>T on transcript NM_000070.3 (MANE Select); coding-DNA position 970, A replaced by T.
Protein change: p.Thr324Ser; replaces threonine 324 with serine.
Molecular consequence: missense variant.
Genome position (GRCh38, 1-based): chr15:42,392,663, A>T. VCF-style: chr15-42392663-A-T. GRCh37 (hg19) VCF-style: chr15-42684861-A-T.
Other names: c.970A>T, p.Thr324Ser (NM_024344.2); c.826A>T, p.Thr276Ser (NM_173087.2); short protein forms T276S, T324S.
Identifiers: ClinVar variation 4751875 (VCV004751875.1).